The following is an entry in ClinVar:

NM_000138.5(FBN1):c.6276G>A (p.Trp2092Ter)

Gene: FBN1 (fibrillin 1; minus strand). Cytogenetic location: 15q21.1.
Variant type: single nucleotide variant.
Coding change: c.6276G>A on transcript NM_000138.5 (MANE Select); coding-DNA position 6276, G replaced by A.
Protein change: p.Trp2092Ter; replaces tryptophan 2092 with a stop codon.
Molecular consequence: nonsense.
Genome position (GRCh38, 1-based): chr15:48,437,805, C>T on the plus strand (G>A on the coding strand, the complement: FBN1 is on the minus strand). VCF-style: chr15-48437805-C-T. GRCh37 (hg19) VCF-style: chr15-48730002-C-T.
Other names: short protein forms W2092*.
Identifiers: ClinVar variation 495636 (VCV000495636.6), dbSNP rs1555395260, ClinGen allele CA392336968.

ClinVar aggregate classification (germline): Pathogenic/Likely pathogenic. Review status: criteria provided, multiple submitters, no conflicts (2 of 4 stars). 4 submissions from 4 submitters: Pathogenic (3); Likely pathogenic (1). Last evaluated 2025-02-14.

Conditions:
Marfan Syndrome/Loeys-Dietz Syndrome/Familial Thoracic Aortic Aneurysms and Dissections. Identifiers: MedGen CN229799.
Marfan syndrome (MFS). Also called: MARFAN SYNDROME, TYPE I; FBN1-Related Marfan Syndrome; Marfan syndrome type 1; Marfan's syndrome; Marfan syndrome, classic. Identifiers: Orphanet 284963, Orphanet 558, MedGen C0024796, MONDO:0007947, OMIM 154700.
Familial thoracic aortic aneurysm and aortic dissection (TAAD). Also called: Thoracic aortic aneurysms and dissections. Identifiers: Orphanet 91387, MedGen C4707243, MONDO:0019625.

Submissions (4):

3billion
Classification: Pathogenic for Marfan syndrome. Last evaluated: 2025-02-14. Review status: criteria provided, single submitter. Criteria: ACMG Guidelines, 2015. Collection method: clinical testing. Allele origin: germline. Affected: yes.
Comment: The variant is not observed in the gnomAD v4.1.0 dataset. Predicted Consequence/Location: Stop-gained (nonsense): predicted to result in a loss or disruption of normal protein function through nonsense-mediated decay (NMD) or protein truncation. Multiple pathogenic variants are reported downstream of the variant. The variant has been previously reported as de novo in a similarly affected individual (PMID: 31279624). The variant has been reported at least twice as pathogenic without evidence for the classification (ClinVar ID: VCV000495636 /PMID: 31279624). Therefore, this variant is classified as Pathogenic according to the recommendation of ACMG/AMP guideline.

GeneDx
Classification: Pathogenic. Last evaluated: 2025-01-07. Review status: criteria provided, single submitter. Criteria: GeneDx Variant Classification Process June 2021. Collection method: clinical testing. Allele origin: germline. Affected: yes.
Comment: Not observed at significant frequency in large population cohorts (gnomAD); Nonsense variant predicted to result in protein truncation or nonsense mediated decay in a gene for which loss of function is a known mechanism of disease; This variant is associated with the following publications: (PMID: 31279624)

Labcorp Genetics (formerly Invitae), Labcorp
Classification: Pathogenic for Marfan syndrome; Familial thoracic aortic aneurysm and aortic dissection. Last evaluated: 2023-07-10. Review status: criteria provided, single submitter. Criteria: Invitae Variant Classification Sherloc (09022015). Collection method: clinical testing. Allele origin: germline.
Comment: For these reasons, this variant has been classified as Pathogenic. ClinVar contains an entry for this variant (Variation ID: 495636). This premature translational stop signal has been observed in individual(s) with Marfan syndrome (PMID: 31279624). This variant is not present in population databases (gnomAD no frequency). This sequence change creates a premature translational stop signal (p.Trp2092*) in the FBN1 gene. It is expected to result in an absent or disrupted protein product. Loss-of-function variants in FBN1 are known to be pathogenic (PMID: 17657824, 19293843).

Women's Health and Genetics/Laboratory Corporation of America, LabCorp
Classification: Likely pathogenic for Marfan Syndrome/Loeys-Dietz Syndrome/Familial Thoracic Aortic Aneurysms and Dissections. Last evaluated: 2016-12-19. Review status: criteria provided, single submitter. Criteria: LabCorp Variant Classification Summary - May 2015. Collection method: clinical testing. Allele origin: germline.
Comment: Variant summary: The FBN1 c.6276G>A (p.Trp2092*) variant results in a premature termination codon, predicted to cause a truncated or absent FBN1 protein due to nonsense mediated decay (NMD), which are commonly known mechanisms for disease. If NMD is escaped, it is expected to truncate a number of EFG-like, Cystiene-Rich and TB domains. Truncations downstream of this position have been classified as pathogenic by our laboratory and others (e.g. c.7039_7040delAT (p.Met2347fsX19), p.Arg2394*, p.Arg2776*, etc.). This variant is absent in 121134 control chromosomes from ExAC. The variant of interest has not, to our knowledge, been reported in affected individuals in literature. Another variant c.6275G>A, leading to the same amino acid change, p.Trp2092* has been reported in at least 1 affected individual. Taken together, this variant is classified as likely pathogenic.

Literature cited by the submitters: PubMed 31279624 (cited by 3billion and Labcorp Genetics (formerly Invitae), Labcorp); PubMed 17657824 (cited by Labcorp Genetics (formerly Invitae), Labcorp); PubMed 19293843 (cited by Labcorp Genetics (formerly Invitae), Labcorp).